The following is an entry in ClinVar:

NM_000368.5(TSC1):c.1577C>T (p.Ser526Phe)

Gene: TSC1 (TSC complex subunit 1; minus strand). Cytogenetic location: 9q34.13.
Variant type: single nucleotide variant.
Coding change: c.1577C>T on transcript NM_000368.5 (MANE Select); coding-DNA position 1577, C replaced by T.
Protein change: p.Ser526Phe; replaces serine 526 with phenylalanine.
Molecular consequence: missense variant.
Genome position (GRCh38, 1-based): chr9:132,906,001, G>A on the plus strand (C>T on the coding strand, the complement: TSC1 is on the minus strand). VCF-style: chr9-132906001-G-A. GRCh37 (hg19) VCF-style: chr9-135781388-G-A.
Other names: c.1574C>T, p.Ser525Phe (NM_001162426.2); c.1424C>T, p.Ser475Phe (NM_001162427.2); c.1214C>T, p.Ser405Phe (NM_001362177.2); short protein forms S526F, S525F, S405F, S475F.
Identifiers: ClinVar variation 506672 (VCV000506672.1), dbSNP rs1554815996, ClinGen allele CA375364988.

ClinVar aggregate classification (germline): Likely benign (1 of 4 stars; one submission).

Submission:

GeneDx
Classification: Likely benign. Last evaluated: 2018-01-19. Review status: criteria provided, single submitter. Criteria: GeneDx Variant Classification (06012015). Collection method: clinical testing. Allele origin: germline. Affected: yes.
Comment: This variant is considered likely benign or benign based on one or more of the following criteria: it is a conservative change, it occurs at a poorly conserved position in the protein, it is predicted to be benign by multiple in silico algorithms, and/or has population frequency not consistent with disease.